The following is an entry in ClinVar:

ClinVar aggregate classification (germline): Uncertain significance (1 of 4 stars; one submission).

Submission:

Ambry Genetics
Classification: Uncertain significance. Last evaluated: 2024-05-31. Review status: criteria provided, single submitter. Criteria: Ambry Variant Classification Scheme 2023. Collection method: clinical testing. Allele origin: germline.
Comment: The p.L788M variant (also known as c.2362C>A), located in coding exon 4 of the ALPK2 gene, results from a C to A substitution at nucleotide position 2362. The leucine at codon 788 is replaced by methionine, an amino acid with highly similar properties. This amino acid position is conserved. In addition, this alteration is predicted to be tolerated by in silico analysis. Based on the available evidence, the clinical significance of this variant remains unclear.

NM_052947.4(ALPK2):c.2362C>A (p.Leu788Met)

Gene: ALPK2 (alpha kinase 2; minus strand). Cytogenetic location: 18q21.31.
Variant type: single nucleotide variant.
Coding change: c.2362C>A on transcript NM_052947.4 (MANE Select); coding-DNA position 2362, C replaced by A.
Protein change: p.Leu788Met; replaces leucine 788 with methionine.
Molecular consequence: missense variant.
Genome position (GRCh38, 1-based): chr18:58,537,825, G>T on the plus strand (C>A on the coding strand, the complement: ALPK2 is on the minus strand). VCF-style: chr18-58537825-G-T. GRCh37 (hg19) VCF-style: chr18-56205057-G-T.
Other names: short protein forms L788M.
Identifiers: ClinVar variation 3290605 (VCV003290605.1).
Genomic context (GRCh38, chr18:58,537,825, plus strand): 5'-CAAAACACTCCATTGCACACACTGCTTCTCTGTCCCTTGGCTCATCACACACATTTTCCA[G>T]GGTGAGGGCAGTATCTGTGGGTTCAGGGGAAGCAACAGAGACAGCCACAGGCTCCCTGAA-3'
Protein context (NP_443179.3, residues 778-798): SPEPTDTALT[Leu788Met]ENVCDEPRDR